The following is an entry in ClinVar:

ClinVar aggregate classification (germline): Uncertain significance (1 of 4 stars; one submission).

Submission:

Labcorp Genetics (formerly Invitae), Labcorp
Classification: Uncertain significance. Last evaluated: 2022-09-30. Review status: criteria provided, single submitter. Criteria: Invitae Variant Classification Sherloc (09022015). Collection method: clinical testing. Allele origin: germline.
Comment: This sequence change replaces tyrosine, which is neutral and polar, with aspartic acid, which is acidic and polar, at codon 681 of the GUCY2C protein (p.Tyr681Asp). This variant is not present in population databases (gnomAD no frequency). This variant has not been reported in the literature in individuals affected with GUCY2C-related conditions. Advanced modeling of protein sequence and biophysical properties (such as structural, functional, and spatial information, amino acid conservation, physicochemical variation, residue mobility, and thermodynamic stability) performed at Invitae indicates that this missense variant is not expected to disrupt GUCY2C protein function. In summary, the available evidence is currently insufficient to determine the role of this variant in disease. Therefore, it has been classified as a Variant of Uncertain Significance.

NM_004963.4(GUCY2C):c.2041T>G (p.Tyr681Asp)

Gene: GUCY2C (guanylate cyclase 2C; minus strand). Cytogenetic location: 12p12.3.
Variant type: single nucleotide variant.
Coding change: c.2041T>G on transcript NM_004963.4 (MANE Select); coding-DNA position 2041, T replaced by G.
Protein change: p.Tyr681Asp; replaces tyrosine 681 with aspartic acid.
Molecular consequence: missense variant.
Genome position (GRCh38, 1-based): chr12:14,641,109, A>C on the plus strand (T>G on the coding strand, the complement: GUCY2C is on the minus strand). VCF-style: chr12-14641109-A-C. GRCh37 (hg19) VCF-style: chr12-14794043-A-C.
Other names: short protein forms Y681D.
Identifiers: ClinVar variation 1720703 (VCV001720703.5), dbSNP rs2497680796, ClinGen allele CA383983952.
Genomic context (GRCh38, chr12:14,641,109, plus strand): 5'-CCAGAGGGGACACATGAATGGGTTTAGATGTACCATTCCGGTCCCGACAGCTCAAAGTGT[A>C]GAAGGTTTCTTTCCGCAGGATGATCTCCTGTGCGATGATCCCATAGCTGTACACATCTCC-3'
Protein context (NP_004954.2, residues 671-691): QEIILRKETF[Tyr681Asp]TLSCRDRNEK